The following is an entry in ClinVar:

ClinVar aggregate classification (germline): Uncertain significance (1 of 4 stars; one submission).

gnomAD v4.1: 1 of 1,613,130 alleles (0.000062%); highest among the groups gnomAD compares: Non-Finnish European, 0.000085%; no homozygotes.

Submission:

Labcorp Genetics (formerly Invitae), Labcorp
Classification: Uncertain significance. Last evaluated: 2021-08-20. Review status: criteria provided, single submitter. Criteria: Invitae Variant Classification Sherloc (09022015). Collection method: clinical testing. Allele origin: germline.
Comment: In summary, the available evidence is currently insufficient to determine the role of this variant in disease. Therefore, it has been classified as a Variant of Uncertain Significance. Algorithms developed to predict the effect of missense changes on protein structure and function output the following: SIFT: "Deleterious"; PolyPhen-2: "Benign"; Align-GVGD: "Class C0". The histidine amino acid residue is found in multiple mammalian species, which suggests that this missense change does not adversely affect protein function. This variant has not been reported in the literature in individuals affected with LTBP2-related conditions. This variant is not present in population databases (ExAC no frequency). This sequence change replaces aspartic acid with histidine at codon 325 of the LTBP2 protein (p.Asp325His). The aspartic acid residue is highly conserved and there is a moderate physicochemical difference between aspartic acid and histidine.

NM_000428.3(LTBP2):c.973G>C (p.Asp325His)

Gene: LTBP2 (latent transforming growth factor beta binding protein 2; minus strand). Cytogenetic location: 14q24.3.
Variant type: single nucleotide variant.
Coding change: c.973G>C on transcript NM_000428.3 (MANE Select); coding-DNA position 973, G replaced by C.
Protein change: p.Asp325His; replaces aspartic acid 325 with histidine.
Molecular consequence: missense variant.
Genome position (GRCh38, 1-based): chr14:74,555,551, C>G on the plus strand (G>C on the coding strand, the complement: LTBP2 is on the minus strand). VCF-style: chr14-74555551-C-G. GRCh37 (hg19) VCF-style: chr14-75022254-C-G.
Other names: short protein forms D325H.
Identifiers: ClinVar variation 1376605 (VCV001376605.6), dbSNP rs763105628, ClinGen allele CA390402659.